The following is an entry in ClinVar:

ClinVar aggregate classification (germline): Likely benign (1 of 4 stars; one submission).

Conditions:
PKHD1L1-related disorder. Also called: PKHD1L1-related condition.

gnomAD v4.1: 93 of 1,488,790 alleles (0.0062%); highest among the groups gnomAD compares: Non-Finnish European, 0.0024%; no homozygotes.

Submission:

PreventionGenetics, part of Exact Sciences
Classification: Likely benign for PKHD1L1-related condition. Last evaluated: 2025-01-07. Review status: criteria provided, single submitter. Criteria: ACMG Guidelines, 2015. Collection method: clinical testing. Allele origin: germline.
Comment: This variant is classified as likely benign based on ACMG/AMP sequence variant interpretation guidelines (Richards et al. 2015 PMID: 25741868, with internal and published modifications).

NM_177531.6(PKHD1L1):c.1534G>T (p.Val512Phe)

Gene: PKHD1L1 (PKHD1 like 1; plus strand). Cytogenetic location: 8q23.1.
Variant type: single nucleotide variant.
Coding change: c.1534G>T on transcript NM_177531.6 (MANE Select); coding-DNA position 1534, G replaced by T.
Protein change: p.Val512Phe; replaces valine 512 with phenylalanine.
Molecular consequence: missense variant.
Genome position (GRCh38, 1-based): chr8:109,404,995, G>T. VCF-style: chr8-109404995-G-T. GRCh37 (hg19) VCF-style: chr8-110417224-G-T.
Other names: short protein forms V512F.
Identifiers: ClinVar variation 4986226 (VCV004986226.1).